The following is an entry in ClinVar:

ClinVar aggregate classification (germline): Uncertain significance. Review status: criteria provided, multiple submitters, no conflicts (2 of 4 stars). 3 submissions from 3 submitters: Uncertain significance (3). Last evaluated 2022-07-19.

Conditions:
Developmental and epileptic encephalopathy, 42 (DEE42A). Also called: Epileptic encephalopathy, early infantile, 42; DEVELOPMENTAL AND EPILEPTIC ENCEPHALOPATHY 42A; EPILEPTIC ENCEPHALOPATHY, EARLY INFANTILE, 42A. Identifiers: MedGen C4310716, MONDO:0014917, OMIM 617106.
Episodic ataxia type 2 (EA2). Also called: EPISODIC ATAXIA, NYSTAGMUS-ASSOCIATED; ACETAZOLAMIDE-RESPONSIVE HEREDITARY PAROXYSMAL CEREBELLAR ATAXIA; ATAXIA, EPISODIC, WITH NYSTAGMUS; ATAXIA, FAMILIAL PAROXYSMAL; CEREBELLAR ATAXIA, PAROXYSMAL, ACETAZOLAMIDE-RESPONSIVE; CEREBELLOPATHY, HEREDITARY PAROXYSMAL. Identifiers: Orphanet 97, MedGen C1720416, MONDO:0007163, OMIM 108500.

Allele frequency attached by ClinVar (database versions not stated): TOPMed 0.00001; gnomAD exomes 0.00001.
gnomAD v4.1: 10 of 1,533,188 alleles (0.00065%); highest among the groups gnomAD compares: Non-Finnish European, 0.00078%; no homozygotes.

Submissions (3):

Labcorp Genetics (formerly Invitae), Labcorp
Classification: Uncertain significance for Developmental and epileptic encephalopathy, 42; Episodic ataxia type 2. Last evaluated: 2022-07-19. Review status: criteria provided, single submitter. Criteria: Invitae Variant Classification Sherloc (09022015). Collection method: clinical testing. Allele origin: germline.
Comment: In summary, the available evidence is currently insufficient to determine the role of this variant in disease. Therefore, it has been classified as a Variant of Uncertain Significance. Advanced modeling of protein sequence and biophysical properties (such as structural, functional, and spatial information, amino acid conservation, physicochemical variation, residue mobility, and thermodynamic stability) performed at Invitae indicates that this missense variant is not expected to disrupt CACNA1A protein function. ClinVar contains an entry for this variant (Variation ID: 500995). This variant has not been reported in the literature in individuals affected with CACNA1A-related conditions. The frequency data for this variant in the population databases is considered unreliable, as metrics indicate poor data quality at this position in the gnomAD database. This sequence change replaces alanine, which is neutral and non-polar, with valine, which is neutral and non-polar, at codon 952 of the CACNA1A protein (p.Ala952Val).

CeGaT Center for Human Genetics Tuebingen
Classification: Uncertain significance. Last evaluated: 2022-03-01. Review status: criteria provided, single submitter. Criteria: CeGaT Center For Human Genetics Tuebingen Variant Classification Criteria Version 2. Collection method: clinical testing. Allele origin: germline. Affected: yes. Observed: 1 variant allele.
Comment: CACNA1A: PM2, PP2, PP3

Eurofins Ntd Llc (ga)
Classification: Uncertain significance. Last evaluated: 2017-04-11. Review status: criteria provided, single submitter. Criteria: EGL Classification Definitions 2015. Collection method: clinical testing. Allele origin: germline. Observed: 1 variant allele, 1 heterozygote.

NM_001127222.2(CACNA1A):c.2852C>T (p.Ala951Val)

Gene: CACNA1A (calcium voltage-gated channel subunit alpha1 A; minus strand). Cytogenetic location: 19p13.13.
Variant type: single nucleotide variant.
Coding change: c.2852C>T on transcript NM_001127222.2 (MANE Select); coding-DNA position 2852, C replaced by T.
Protein change: p.Ala951Val; replaces alanine 951 with valine.
Molecular consequence: missense variant.
Genome position (GRCh38, 1-based): chr19:13,298,781, G>A on the plus strand (C>T on the coding strand, the complement: CACNA1A is on the minus strand). VCF-style: chr19-13298781-G-A. GRCh37 (hg19) VCF-style: chr19-13409595-G-A.
Other names: c.2864C>T, p.Ala955Val (NM_000068.4, NM_023035.3); c.2855C>T, p.Ala952Val (NM_001127221.2, NM_001174080.2); short protein forms A952V, A955V, A951V.
Identifiers: ClinVar variation 500995 (VCV000500995.33), dbSNP rs1442995931, ClinGen allele CA404342588.